The following is an entry in ClinVar:

ClinVar aggregate classification (germline): Likely benign. Review status: criteria provided, multiple submitters, no conflicts (2 of 4 stars). 2 submissions from 2 submitters: Likely benign (2). Last evaluated 2025-07-01.

Conditions:
ATRX-related disorder. Also called: ATRX-related condition.
Alpha thalassemia-X-linked intellectual disability syndrome (ATRX). Also called: ALPHA-THALASSEMIA/MENTAL RETARDATION SYNDROME, X-LINKED; ATR, NONDELETION TYPE; ATR-X syndrome; Alpha thalassemia mental retardation syndrome, nondeletion type, X-linked; XLMR hypotonic face syndrome; X-linked alpha-thalassemia-mental retardation syndrome. Identifiers: Orphanet 847, MedGen C1845055, MONDO:0010519, OMIM 301040.

Allele frequency attached by ClinVar (database versions not stated): gnomAD exomes below 0.00001; TOPMed 0.00002; gnomAD 0.00004.
gnomAD v4.1: 7 of 1,201,340 alleles (0.00058%); highest among the groups gnomAD compares: African/African-American, 0.0018%; no homozygotes.

Submissions (2):

PreventionGenetics, part of Exact Sciences
Classification: Likely benign for ATRX-related condition. Last evaluated: 2025-07-01. Review status: criteria provided, single submitter. Criteria: ACMG Guidelines, 2015. Collection method: clinical testing. Allele origin: germline.
Comment: This variant is classified as likely benign based on ACMG/AMP sequence variant interpretation guidelines (Richards et al. 2015 PMID: 25741868, with internal and published modifications).

Labcorp Genetics (formerly Invitae), Labcorp
Classification: Likely benign for Alpha thalassemia-X-linked intellectual disability syndrome. Last evaluated: 2025-04-26. Review status: criteria provided, single submitter. Criteria: Invitae Variant Classification Sherloc (09022015). Collection method: clinical testing. Allele origin: germline.

NM_000489.6(ATRX):c.2940T>C (p.Asp980=)

Gene: ATRX (ATRX chromatin remodeler; minus strand). Cytogenetic location: Xq21.1.
Variant type: single nucleotide variant.
Coding change: c.2940T>C on transcript NM_000489.6 (MANE Select); coding-DNA position 2940, T replaced by C.
Protein change: p.Asp980=; no amino-acid change (aspartic acid 980 retained).
Molecular consequence: synonymous variant.
Genome position (GRCh38, 1-based): chrX:77,682,316, A>G on the plus strand (T>C on the coding strand, the complement: ATRX is on the minus strand). VCF-style: chrX-77682316-A-G. GRCh37 (hg19) VCF-style: chrX-76937808-A-G.
Other names: c.2940T>C (NM_000489.4); c.2826T>C, p.Asp942= (NM_138270.5).
Identifiers: ClinVar variation 1120284 (VCV001120284.10), dbSNP rs978376242, ClinGen allele CA331569006.